The following is an entry in ClinVar:

ClinVar aggregate classification (germline): Uncertain significance. Review status: criteria provided, multiple submitters, no conflicts (2 of 4 stars). 2 submissions from 2 submitters: Uncertain significance (2). Last evaluated 2026-05-18.

Conditions:
Acute myeloid leukemia (AML). Also called: Acute myeloid leukemia, adult; AML adult; Acute non-lymphocytic leukemia; Acute granulocytic leukemia; Leukemia, acute myelogenous, somatic; Leukemia, acute myeloid, somatic. Identifiers: Orphanet 519, MedGen C0023467, MeSH D015470, MONDO:0018874, OMIM 601626, HP:0004808. Disease mechanism: Constitutively activated FLT3.
Inborn genetic diseases. Identifiers: MedGen C0950123, MeSH D030342.

Submissions (2):

Ambry Genetics
Classification: Uncertain significance for Inborn genetic diseases. Last evaluated: 2026-05-18. Review status: criteria provided, single submitter. Criteria: Ambry Variant Classification Scheme 2023. Collection method: clinical testing. Allele origin: germline.
Comment: The p.R35W variant (also known as c.103C>T), located in coding exon 1 of the CEBPA gene, results from a C to T substitution at nucleotide position 103. The arginine at codon 35 is replaced by tryptophan, an amino acid with dissimilar properties. This amino acid position is well conserved in available vertebrate species. In addition, this alteration is predicted to be tolerated by in silico analysis. Based on the available evidence, the clinical significance of this variant remains unclear.

Labcorp Genetics (formerly Invitae), Labcorp
Classification: Uncertain significance for Acute myeloid leukemia. Last evaluated: 2020-08-05. Review status: criteria provided, single submitter. Criteria: Invitae Variant Classification Sherloc (09022015). Collection method: clinical testing. Allele origin: germline.
Comment: In summary, the available evidence is currently insufficient to determine the role of this variant in disease. Therefore, it has been classified as a Variant of Uncertain Significance. Algorithms developed to predict the effect of missense changes on protein structure and function are either unavailable or do not agree on the potential impact of this missense change (SIFT: "Deleterious"; PolyPhen-2: "Benign"; Align-GVGD: "Class C0"). This variant has not been reported in the literature in individuals with CEBPA-related conditions. The frequency data for this variant in the population databases is considered unreliable, as metrics indicate insufficient coverage at this position in the ExAC database. This sequence change replaces arginine with tryptophan at codon 35 of the CEBPA protein (p.Arg35Trp). The arginine residue is moderately conserved and there is a moderate physicochemical difference between arginine and tryptophan.

NM_004364.5(CEBPA):c.103C>T (p.Arg35Trp)

Gene: CEBPA (CCAAT enhancer binding protein alpha; minus strand). Cytogenetic location: 19q13.11.
Variant type: single nucleotide variant.
Coding change: c.103C>T on transcript NM_004364.5 (MANE Select); coding-DNA position 103, C replaced by T.
Protein change: p.Arg35Trp; replaces arginine 35 with tryptophan.
Molecular consequence: missense variant. On other transcripts: 5 prime UTR variant (1).
Genome position (GRCh38, 1-based): chr19:33,302,312, G>A on the plus strand (C>T on the coding strand, the complement: CEBPA is on the minus strand). VCF-style: chr19-33302312-G-A. GRCh37 (hg19) VCF-style: chr19-33793218-G-A.
Other names: c.-255C>T (NM_001285829.2); c.208C>T, p.Arg70Trp (NM_001287424.2); c.61C>T, p.Arg21Trp (NM_001287435.2); c.103C>T (NM_004364.3); short protein forms R35W, R21W, R70W.
Identifiers: ClinVar variation 954617 (VCV000954617.11), dbSNP rs1238054852, ClinGen allele CA405275667.
Genomic context (GRCh38, chr19:33,302,312, plus strand): 5'-TGCCGCCCAGCGGCTCCGGGGCGGCAGGTGGGGCGGGAGGCTGCGCGGGGCCCGCGCCCC[G>A]GGGAAAGCCGAAGGCGGCGCTGCTGGGCGCGTGCGGGGGGCTCTGCAGGTGGCTGCTCAT-3'
Protein context (NP_004355.2, residues 25-45): APSSAAFGFP[Arg35Trp]GAGPAQPPAP